The following is an entry in ClinVar:

ClinVar aggregate classification (germline): Pathogenic (1 of 4 stars; one submission).

Conditions:
Hereditary cancer-predisposing syndrome. Also called: Neoplastic Syndromes, Hereditary; Tumor predisposition; Hereditary Cancer Syndrome; Hereditary neoplastic syndrome. Identifiers: Orphanet 140162, MedGen C0027672, MeSH D009386, MONDO:0015356.

Submission:

Ambry Genetics
Classification: Pathogenic for Hereditary cancer-predisposing syndrome. Last evaluated: 2022-06-02. Review status: criteria provided, single submitter. Criteria: Ambry Variant Classification Scheme 2023. Collection method: clinical testing. Allele origin: germline.
Comment: The c.1766_1767insTCAAT pathogenic mutation, located in coding exon 14 of the BAP1 gene, results from an insertion of 5 nucleotides at position 1766, causing a translational frameshift with a predicted alternate stop codon (p.G591Sfs*28). This alteration is expected to result in loss of function by premature protein truncation or nonsense-mediated mRNA decay. As such, this alteration is interpreted as a disease-causing mutation.

NM_004656.4(BAP1):c.1766_1767insTCAAT (p.Gly591fs)

Gene: BAP1 (BRCA1 associated deubiquitinase 1; minus strand). Cytogenetic location: 3p21.1.
Variant type: Insertion.
Coding change: c.1766_1767insTCAAT on transcript NM_004656.4 (MANE Select); coding-DNA positions 1766 to 1767, TCAAT inserted.
Protein change: p.Gly591fs; shifts the reading frame from glycine 591.
Molecular consequence: frameshift variant.
Genome position: GRCh38 VCF-style: chr3-52403261-G-GATTGA. GRCh37 (hg19) VCF-style: chr3-52437277-G-GATTGA.
Other names: c.1708_1709insCAATT, p.Gly573Serfs (NM_001410772.1); c.1766_1767insTCAAT (NM_004656.2); short protein forms G591fs.
Identifiers: ClinVar variation 1779671 (VCV001779671.2), dbSNP rs2471325616, ClinGen allele CA2580070219.